The following is an entry in ClinVar:

NM_017654.4(SAMD9):c.2734A>G (p.Thr912Ala)

Gene: SAMD9 (sterile alpha motif domain containing 9; minus strand). Cytogenetic location: 7q21.2.
Variant type: single nucleotide variant.
Coding change: c.2734A>G on transcript NM_017654.4 (MANE Select); coding-DNA position 2734, A replaced by G.
Protein change: p.Thr912Ala; replaces threonine 912 with alanine.
Molecular consequence: missense variant.
Genome position (GRCh38, 1-based): chr7:93,103,364, T>C on the plus strand (A>G on the coding strand, the complement: SAMD9 is on the minus strand). VCF-style: chr7-93103364-T-C. GRCh37 (hg19) VCF-style: chr7-92732677-T-C.
Other names: c.2734A>G, p.Thr912Ala (NM_001193307.2); short protein forms T912A.
Identifiers: ClinVar variation 3792064 (VCV003792064.1).

ClinVar aggregate classification (germline): Uncertain significance (1 of 4 stars; one submission).

Conditions:
Inborn genetic diseases. Identifiers: MedGen C0950123, MeSH D030342.

Submission:

Ambry Genetics
Classification: Uncertain significance for Inborn genetic diseases. Last evaluated: 2025-02-08. Review status: criteria provided, single submitter. Criteria: Ambry Variant Classification Scheme 2023. Collection method: clinical testing. Allele origin: germline.
Comment: The p.T912A variant (also known as c.2734A>G), located in coding exon 1 of the SAMD9 gene, results from an A to G substitution at nucleotide position 2734. The threonine at codon 912 is replaced by alanine, an amino acid with similar properties. This amino acid position is conserved. In addition, this alteration is predicted to be tolerated by in silico analysis. Based on the available evidence, the clinical significance of this variant remains unclear.